The following is an entry in ClinVar:

NM_000057.4(BLM):c.129_130insTAT (p.Ser43_Asp44insTyr)

Gene: BLM (BLM RecQ like helicase; plus strand). Cytogenetic location: 15q26.1.
Variant type: Insertion.
Coding change: c.129_130insTAT on transcript NM_000057.4 (MANE Select); coding-DNA positions 129 to 130, TAT inserted.
Protein change: p.Ser43_Asp44insTyr.
Molecular consequence: inframe insertion. On other transcripts: 5 prime UTR variant (1).
Genome position: GRCh38 VCF-style: chr15-90749397-A-ATAT. GRCh37 (hg19) VCF-style: chr15-91292627-A-ATAT.
Other names: c.129_130insTAT, p.Ser43_Asp44insTyr (NM_001287246.2, NM_001287247.2); c.-1163_-1162insTAT (NM_001287248.2).
Identifiers: ClinVar variation 554748 (VCV000554748.17), dbSNP rs778786003, ClinGen allele CA7738249.

ClinVar aggregate classification (germline): Uncertain significance. Review status: criteria provided, multiple submitters, no conflicts (2 of 4 stars). 4 submissions from 4 submitters: Uncertain significance (2). 2 of the submissions do not count toward it. Last evaluated 2025-01-30.

Conditions:
Bloom syndrome (BLM). Also called: Bloom-Torre-Machacek syndrome. Identifiers: Orphanet 125, MedGen C0005859, MONDO:0008876, OMIM 210900.
Hereditary cancer-predisposing syndrome. Also called: Hereditary Cancer Syndrome; Hereditary neoplastic syndrome; Tumor predisposition; Neoplastic Syndromes, Hereditary. Identifiers: Orphanet 140162, MedGen C0027672, MeSH D009386, MONDO:0015356.

Allele frequency attached by ClinVar (database versions not stated): gnomAD exomes below 0.00001; ExAC 0.00001.

Submissions (4):

Labcorp Genetics (formerly Invitae), Labcorp
Classification: Uncertain significance for Bloom syndrome. Last evaluated: 2025-01-30. Review status: criteria provided, single submitter. Criteria: Invitae Variant Classification Sherloc (09022015). Collection method: clinical testing. Allele origin: germline.
Comment: This variant, c.129_130insTAT, results in the insertion of 1 amino acid(s) of the BLM protein (p.Ser43_Asp44insTyr), but otherwise preserves the integrity of the reading frame. This variant is not present in population databases (gnomAD no frequency). This variant has not been reported in the literature in individuals affected with BLM-related conditions. ClinVar contains an entry for this variant (Variation ID: 554748). Experimental studies and prediction algorithms are not available or were not evaluated, and the functional significance of this variant is currently unknown. In summary, the available evidence is currently insufficient to determine the role of this variant in disease. Therefore, it has been classified as a Variant of Uncertain Significance.

Ambry Genetics
Classification: Uncertain significance for Hereditary cancer-predisposing syndrome. Last evaluated: 2021-10-07. Review status: criteria provided, single submitter. Criteria: Ambry Variant Classification Scheme 2023. Collection method: clinical testing. Allele origin: germline.
Comment: The c.129_130insTAT variant (also known as p.S43_D44insY), located in coding exon 2 of the BLM gene, results from an in-frame TAT insertion at nucleotide positions 129 to 130. This results in the insertion of an extra tyrosine residue between codons 43 and 44. This alteration is predicted to be neutral by in silico analysis (Choi Y et al. PLoS ONE. 2012; 7(10):e46688). Since supporting evidence is limited at this time, the clinical significance of this alteration remains unclear.

Natera, Inc.
Classification: Uncertain significance for Bloom syndrome. Last evaluated: 2018-07-06. Review status: no assertion criteria provided. Collection method: clinical testing. Allele origin: germline. Not counted in ClinVar's aggregate classification.

Counsyl
Classification: Uncertain significance for Bloom syndrome. Last evaluated: 2017-11-02. Review status: no assertion criteria provided. Collection method: clinical testing. Allele origin: unknown. Not counted in ClinVar's aggregate classification.